The following is an entry in ClinVar:

NM_004360.5(CDH1):c.1690C>G (p.Leu564Val)

Gene: CDH1 (cadherin 1; plus strand). Cytogenetic location: 16q22.1.
Variant type: single nucleotide variant.
Coding change: c.1690C>G on transcript NM_004360.5 (MANE Select); coding-DNA position 1690, C replaced by G.
Protein change: p.Leu564Val; replaces leucine 564 with valine.
Molecular consequence: missense variant. On other transcripts: intron variant (1).
Genome position (GRCh38, 1-based): chr16:68,819,404, C>G. VCF-style: chr16-68819404-C-G. GRCh37 (hg19) VCF-style: chr16-68853307-C-G.
Other names: c.1507C>G, p.Leu503Val (NM_001317184.2); c.142C>G, p.Leu48Val (NM_001317185.2); c.-254-2597C>G (NM_001317186.2); short protein forms L503V, L48V, L564V.
Identifiers: ClinVar variation 848495 (VCV000848495.9), dbSNP rs786201342, ClinGen allele CA396465386.

ClinVar aggregate classification (germline): Uncertain significance (1 of 4 stars; one submission).

Conditions:
Hereditary diffuse gastric adenocarcinoma (HDGC). Also called: DIFFUSE GASTRIC AND LOBULAR BREAST CANCER SYNDROME. Identifiers: Orphanet 26106, MedGen C1708349, MONDO:0007648, OMIM 137215.

Allele frequency attached by ClinVar (database versions not stated): TOPMed 0.00001.

Submission:

Labcorp Genetics (formerly Invitae), Labcorp
Classification: Uncertain significance for Hereditary diffuse gastric adenocarcinoma. Last evaluated: 2023-03-08. Review status: criteria provided, single submitter. Criteria: Invitae Variant Classification Sherloc (09022015). Collection method: clinical testing. Allele origin: germline.
Comment: This sequence change replaces leucine, which is neutral and non-polar, with valine, which is neutral and non-polar, at codon 564 of the CDH1 protein (p.Leu564Val). This variant is not present in population databases (gnomAD no frequency). This variant has not been reported in the literature in individuals affected with CDH1-related conditions. ClinVar contains an entry for this variant (Variation ID: 848495). An algorithm developed to predict the effect of missense changes on protein structure and function (PolyPhen-2) suggests that this variant is likely to be tolerated. In summary, the available evidence is currently insufficient to determine the role of this variant in disease. Therefore, it has been classified as a Variant of Uncertain Significance.